The following is an entry in ClinVar:

NM_001130009.3(GEN1):c.1203-1G>T

Gene: GEN1 (GEN1 structure-specific endonuclease; plus strand). Cytogenetic location: 2p24.2.
Variant type: single nucleotide variant.
Coding change: c.1203-1G>T on transcript NM_001130009.3 (MANE Select); the canonical splice acceptor site of the intron before coding-DNA position 1203, G replaced by T.
Molecular consequence: splice acceptor variant.
Genome position (GRCh38, 1-based): chr2:17,778,001, G>T. VCF-style: chr2-17778001-G-T. GRCh37 (hg19) VCF-style: chr2-17959268-G-T.
Other names: c.1203-1G>T (NM_182625.5).
Identifiers: ClinVar variation 2776792 (VCV002776792.3), dbSNP rs748984322, ClinGen allele CA1540710.

ClinVar aggregate classification (germline): Uncertain significance (1 of 4 stars; one submission).

Allele frequency attached by ClinVar (database versions not stated): ExAC 0.00001.

Submission:

Labcorp Genetics (formerly Invitae), Labcorp
Classification: Uncertain significance. Last evaluated: 2023-06-27. Review status: criteria provided, single submitter. Criteria: Invitae Variant Classification Sherloc (09022015). Collection method: clinical testing. Allele origin: germline.
Comment: In summary, the available evidence is currently insufficient to determine the role of this variant in disease. Therefore, it has been classified as a Variant of Uncertain Significance. This sequence change affects an acceptor splice site in intron 11 of the GEN1 gene. It is expected to disrupt RNA splicing. Variants that disrupt the donor or acceptor splice site typically lead to a loss of protein function (PMID: 16199547), however the current clinical and genetic evidence is not sufficient to establish whether loss-of-function variants in GEN1 cause disease. This variant is present in population databases (rs748984322, gnomAD 0.0009%). This variant has not been reported in the literature in individuals affected with GEN1-related conditions. Algorithms developed to predict the effect of sequence changes on RNA splicing suggest that this variant may disrupt the consensus splice site.

Literature cited by the submitters: PubMed 16199547.